The following is an entry in ClinVar:

ClinVar aggregate classification (germline): Uncertain significance. Review status: criteria provided, multiple submitters, no conflicts (2 of 4 stars). 2 submissions from 2 submitters: Uncertain significance (2). Last evaluated 2023-08-17.

Allele frequency attached by ClinVar (database versions not stated): gnomAD 0.00001; gnomAD exomes 0.00003; TOPMed 0.00003; ExAC 0.00005.
gnomAD v4.1: 49 of 1,614,028 alleles (0.003%); highest among the groups gnomAD compares: Non-Finnish European, 0.0042%; no homozygotes.

Submissions (2):

Labcorp Genetics (formerly Invitae), Labcorp
Classification: Uncertain significance. Last evaluated: 2023-08-17. Review status: criteria provided, single submitter. Criteria: Invitae Variant Classification Sherloc (09022015). Collection method: clinical testing. Allele origin: germline.
Comment: In summary, the available evidence is currently insufficient to determine the role of this variant in disease. Therefore, it has been classified as a Variant of Uncertain Significance. Algorithms developed to predict the effect of sequence changes on RNA splicing suggest that this variant may disrupt the consensus splice site. ClinVar contains an entry for this variant (Variation ID: 2506128). This variant has not been reported in the literature in individuals affected with TGM6-related conditions. This variant is present in population databases (rs762517206, gnomAD 0.005%). This sequence change affects an acceptor splice site in intron 7 of the TGM6 gene. It is expected to disrupt RNA splicing. Variants that disrupt the donor or acceptor splice site typically lead to a loss of protein function (PMID: 16199547), however the current clinical and genetic evidence is not sufficient to establish whether loss-of-function variants in TGM6 cause disease.

Women's Health and Genetics/Laboratory Corporation of America, LabCorp
Classification: Uncertain significance. Last evaluated: 2023-06-09. Review status: criteria provided, single submitter. Criteria: LabCorp Variant Classification Summary - May 2015. Collection method: clinical testing. Allele origin: germline.
Comment: Variant summary: TGM6 c.990-1G>C is located in a canonical splice-site and is predicted to affect mRNA splicing resulting in a significantly altered protein due to either exon skipping, shortening, or inclusion of intronic material. Several computational tools predict a significant impact on normal splicing: Four predict the variant abolishes the canonical 3' splice acceptor site. However, these predictions have yet to be confirmed by functional studies. The variant allele was found at a frequency of 2.4e-05 in 251066 control chromosomes. To our knowledge, no occurrence of c.990-1G>C in individuals affected with Spinocerebellar Ataxia 35 and no experimental evidence demonstrating its impact on protein function have been reported. No clinical diagnostic laboratories have submitted clinical-significance assessments for this variant to ClinVar after 2014. Based on the evidence outlined above, the variant was classified as VUS.

Literature cited by the submitters: PubMed 16199547 (cited by Labcorp Genetics (formerly Invitae), Labcorp).

NM_198994.3(TGM6):c.990-1G>C

Gene: TGM6 (transglutaminase 6; plus strand). Cytogenetic location: 20p13.
Variant type: single nucleotide variant.
Coding change: c.990-1G>C on transcript NM_198994.3 (MANE Select); the canonical splice acceptor site of the intron before coding-DNA position 990, G replaced by C.
Molecular consequence: splice acceptor variant.
Genome position (GRCh38, 1-based): chr20:2,403,396, G>C. VCF-style: chr20-2403396-G-C. GRCh37 (hg19) VCF-style: chr20-2384042-G-C.
Other names: c.990-1G>C (NM_001254734.2).
Identifiers: ClinVar variation 2506128 (VCV002506128.5), dbSNP rs762517206, ClinGen allele CA9731935.